The following is an entry in ClinVar:

NM_177924.5(ASAH1):c.547A>G (p.Lys183Glu)

Gene: ASAH1 (N-acylsphingosine amidohydrolase 1; minus strand). Cytogenetic location: 8p22.
Variant type: single nucleotide variant.
Coding change: c.547A>G on transcript NM_177924.5 (MANE Select); coding-DNA position 547, A replaced by G.
Protein change: p.Lys183Glu; replaces lysine 183 with glutamic acid.
Molecular consequence: missense variant.
Genome position (GRCh38, 1-based): chr8:18,062,380, T>C on the plus strand (A>G on the coding strand, the complement: ASAH1 is on the minus strand). VCF-style: chr8-18062380-T-C. GRCh37 (hg19) VCF-style: chr8-17919889-T-C.
Other names: c.529A>G, p.Lys177Glu (NM_001127505.3); c.352A>G, p.Lys118Glu (NM_001363743.2); c.595A>G, p.Lys199Glu (NM_004315.6); short protein forms K118E, K177E, K199E, K183E.
Identifiers: ClinVar variation 1433909 (VCV001433909.6), dbSNP rs772925787, ClinGen allele CA4650787.
Genomic context (GRCh38, chr8:18,062,380, plus strand): 5'-TTGAAGCCTTGAAGACAGTTTTGTTGTTTCTTTGGAAATCCAAATTCACTGTTAAAGGTT[T>C]TAGTTGCTCAGTTATGACCCAGGTATCATTATTTATGTTCCACCTATAAAAGACATGTTT-3'
Protein context (NP_808592.2, residues 173-193): NDTWVITEQL[Lys183Glu]PLTVNLDFQR

ClinVar aggregate classification (germline): Uncertain significance (1 of 4 stars; one submission).

Allele frequency attached by ClinVar (database versions not stated): TOPMed below 0.00001; gnomAD 0.00001; gnomAD exomes 0.00001 and 0.00002; ExAC 0.00002.

Submission:

Labcorp Genetics (formerly Invitae), Labcorp
Classification: Uncertain significance. Last evaluated: 2025-04-15. Review status: criteria provided, single submitter. Criteria: Invitae Variant Classification Sherloc (09022015). Collection method: clinical testing. Allele origin: germline.
Comment: This sequence change replaces lysine, which is basic and polar, with glutamic acid, which is acidic and polar, at codon 183 of the ASAH1 protein (p.Lys183Glu). This variant is present in population databases (rs772925787, gnomAD 0.005%). This variant has not been reported in the literature in individuals affected with ASAH1-related conditions. ClinVar contains an entry for this variant (Variation ID: 1433909). Invitae Evidence Modeling of protein sequence and biophysical properties (such as structural, functional, and spatial information, amino acid conservation, physicochemical variation, residue mobility, and thermodynamic stability) indicates that this missense variant is expected to disrupt ASAH1 protein function with a positive predictive value of 80%. In summary, the available evidence is currently insufficient to determine the role of this variant in disease. Therefore, it has been classified as a Variant of Uncertain Significance.